The following is an entry in ClinVar:

NM_001375808.2(LPIN2):c.273G>A (p.Glu91=)

Gene: LPIN2 (lipin 2; minus strand). Cytogenetic location: 18p11.31.
Variant type: single nucleotide variant.
Coding change: c.273G>A on transcript NM_001375808.2 (MANE Select); coding-DNA position 273, G replaced by A.
Protein change: p.Glu91=; no amino-acid change (glutamic acid 91 retained).
Molecular consequence: synonymous variant.
Genome position (GRCh38, 1-based): chr18:2,954,519, C>T on the plus strand (G>A on the coding strand, the complement: LPIN2 is on the minus strand). VCF-style: chr18-2954519-C-T. GRCh37 (hg19) VCF-style: chr18-2954517-C-T.
Other names: c.273G>A, p.Glu91= (NM_001375809.1, NM_014646.2).
Identifiers: ClinVar variation 2648525 (VCV002648525.24), dbSNP rs1417424030, ClinGen allele CA502689591.

ClinVar aggregate classification (germline): Likely benign (1 of 4 stars; one submission).

Submission:

CeGaT Center for Human Genetics Tuebingen
Classification: Likely benign. Last evaluated: 2023-01-01. Review status: criteria provided, single submitter. Criteria: CeGaT Center For Human Genetics Tuebingen Variant Classification Criteria Version 2. Collection method: clinical testing. Allele origin: germline. Affected: yes. Observed: 1 variant allele.
Comment: LPIN2: PM2:Supporting, BP4, BP7